The following is an entry in ClinVar:

ClinVar aggregate classification (germline): Uncertain significance (1 of 4 stars; one submission).

Conditions:
KBG syndrome (KBGS). Also called: ANKRD11-Related KBG Syndrome. Identifiers: Orphanet 2332, MedGen C0220687, MONDO:0007846, OMIM 148050.

Allele frequency attached by ClinVar (database versions not stated): gnomAD exomes below 0.00001.
gnomAD v4.1: 6 of 1,613,372 alleles (0.00037%); highest among the groups gnomAD compares: Non-Finnish European, 0.00051%; no homozygotes.

Submission:

Molecular Genetics, Royal Melbourne Hospital
Classification: Uncertain significance for KBG syndrome. Last evaluated: 2024-02-05. Review status: criteria provided, single submitter. Criteria: ACMG Guidelines, 2015. Collection method: clinical testing. Allele origin: germline. Inheritance: Autosomal dominant inheritance.
Comment: This sequence change in ANKRD11 is predicted to replace valine with aspartic acid at codon 467, p.(Val467Asp). The valine residue is highly conserved (100 vertebrates, Multiz Alignments). There is a large physicochemical difference between valine and aspartic acid. The highest population minor allele frequency in the population database gnomAD v4.0 is 0.0005% (6/1,112,004 alleles) in the European (non-Finnish) population. To our knowledge, this variant has not been previously reported in the relevant scientific literature or databases. Computational evidence is uninformative for the missense substitution (REVEL = 0.356). Based on the classification scheme RMH Modified ACMG Guidelines v1.6.1, this variant is classified as a VARIANT OF UNCERTAIN SIGNIFICANCE. Following criteria are met: none.

NM_013275.6(ANKRD11):c.1400T>A (p.Val467Asp)

Gene: ANKRD11 (ankyrin repeat domain 11; minus strand). Cytogenetic location: 16q24.3.
Variant type: single nucleotide variant.
Coding change: c.1400T>A on transcript NM_013275.6 (MANE Select); coding-DNA position 1400, T replaced by A.
Protein change: p.Val467Asp; replaces valine 467 with aspartic acid.
Molecular consequence: missense variant.
Genome position (GRCh38, 1-based): chr16:89,285,142, A>T on the plus strand (T>A on the coding strand, the complement: ANKRD11 is on the minus strand). VCF-style: chr16-89285142-A-T. GRCh37 (hg19) VCF-style: chr16-89351550-A-T.
Other names: c.1400T>A, p.Val467Asp (NM_001256182.2, NM_001256183.2); short protein forms V467D.
Identifiers: ClinVar variation 3068621 (VCV003068621.1), dbSNP rs2544245121, ClinGen allele CA397165033.